The following is an entry in ClinVar:

NM_000104.4(CYP1B1):c.*975A>G

Gene: CYP1B1 (cytochrome P450 family 1 subfamily B member 1; minus strand). Cytogenetic location: 2p22.2.
Variant type: single nucleotide variant.
Coding change: c.*975A>G on transcript NM_000104.4 (MANE Select); 975 bases downstream of the stop codon, A replaced by G.
Molecular consequence: 3 prime UTR variant.
Genome position (GRCh38, 1-based): chr2:38,069,747, T>C on the plus strand (A>G on the coding strand, the complement: CYP1B1 is on the minus strand). VCF-style: chr2-38069747-T-C. GRCh37 (hg19) VCF-style: chr2-38296890-T-C.
Identifiers: ClinVar variation 335936 (VCV000335936.6), dbSNP rs2855658, ClinGen allele CA10613774.
Genomic context (GRCh38, chr2:38,069,747, plus strand): 5'-ATCAAGCTCATTTTTAGCACACTTGGTTGCGTTAGTTGTACTTTTCAATTTTCAATATTA[T>C]ACAAGGCATATATTATTCAACCTTTTCCTGAACAAGATAATACTAATATACTGCTTACGG-3'

ClinVar aggregate classification (germline): Benign. Review status: criteria provided, multiple submitters, no conflicts (2 of 4 stars). 3 submissions from 2 submitters: Benign (3). Last evaluated 2018-01-12.

Conditions:
Irido-corneo-trabecular dysgenesis (ASGD5). Also called: ANTERIOR SEGMENT DYSGENESIS 5. Identifiers: Orphanet 708, MedGen C0344559, MONDO:0011414, OMIM 604229, HP:0000659.
Glaucoma 3A. Also called: Glaucoma 3, primary congenital, A. Identifiers: Orphanet 98976, Orphanet 98977, MedGen C1856439, MONDO:0009277, OMIM 231300.

Allele frequency attached by ClinVar (database versions not stated): gnomAD 0.48745 and 0.50618; TOPMed 0.49661; 1000 Genomes Project 30x 0.59806; gnomAD exomes 0.61086; 1000 Genomes Project 0.61661.
gnomAD v4.1: 104,868 of 197,520 alleles (53%); highest among the groups gnomAD compares: East Asian, 87%; 31,322 homozygotes.

Submissions (3):

Illumina Laboratory Services, Illumina
Classification: Benign for Irido-corneo-trabecular dysgenesis. Last evaluated: 2018-01-12. Review status: criteria provided, single submitter. Criteria: ICSL Variant Classification Criteria 13 December 2019. Collection method: clinical testing. Allele origin: germline.
Comment: This variant was observed in the ICSL laboratory as part of a predisposition screen in an ostensibly healthy population. It had not been previously curated by ICSL or reported in the Human Gene Mutation Database (HGMD: prior to June 1st, 2018), and was therefore a candidate for classification through an automated scoring system. Utilizing variant allele frequency, disease prevalence and penetrance estimates, and inheritance mode, an automated score was calculated to assess if this variant is too frequent to cause the disease. Based on the score and internal cut-off values, a variant classified as benign is not then subjected to further curation. The score for this variant resulted in a classification of benign for this disease.

Illumina Laboratory Services, Illumina
Classification: Benign for Glaucoma 3A. Last evaluated: 2018-01-12. Review status: criteria provided, single submitter. Criteria: ICSL Variant Classification Criteria 13 December 2019. Collection method: clinical testing. Allele origin: germline.
Comment: the same text as in the submission from Illumina Laboratory Services, Illumina above.

Breakthrough Genomics
Classification: Benign. Review status: criteria provided, single submitter. Criteria: ACMG Guidelines, 2015. Collection method: not provided. Allele origin: germline. Inheritance: Autosomal recessive inheritance. Affected: yes.